The following is an entry in ClinVar:

NM_001329943.3(KIAA0586):c.1797A>T (p.Lys599Asn)

Gene: KIAA0586 (KIAA0586; plus strand). Cytogenetic location: 14q23.1.
Variant type: single nucleotide variant.
Coding change: c.1797A>T on transcript NM_001329943.3 (MANE Select); coding-DNA position 1797, A replaced by T.
Protein change: p.Lys599Asn; replaces lysine 599 with asparagine.
Molecular consequence: missense variant. On other transcripts: intron variant (1).
Genome position (GRCh38, 1-based): chr14:58,459,983, A>T. VCF-style: chr14-58459983-A-T. GRCh37 (hg19) VCF-style: chr14-58926701-A-T.
Other names: c.1956A>T, p.Lys652Asn (NM_001244189.2); c.1752A>T, p.Lys584Asn (NM_001244190.2); c.1542A>T, p.Lys514Asn (NM_001244191.2, NM_001329945.2, NM_001364700.1 and 1 more transcripts); c.1665A>T, p.Lys555Asn (NM_001244192.2); c.1377A>T, p.Lys459Asn (NM_001244193.2); c.1797A>T, p.Lys599Asn (NM_001329944.2, NM_001329946.2, NM_001329947.2); c.1657-1003A>T (NM_014749.5); short protein forms K459N, K599N, K514N, K584N, K555N, K652N.
Identifiers: ClinVar variation 1361911 (VCV001361911.6), dbSNP rs556030955, ClinGen allele CA261626279.

ClinVar aggregate classification (germline): Uncertain significance (1 of 4 stars; one submission).

Conditions:
Short-rib thoracic dysplasia 14 with polydactyly (SRTD14). Identifiers: Orphanet 397715, MedGen C4225286, MONDO:0014688, OMIM 616546.
Joubert syndrome 23 (JBTS23). Identifiers: Orphanet 475, MedGen C4084822, MONDO:0014664, OMIM 616490.

Allele frequency attached by ClinVar (database versions not stated): gnomAD 0.00001; gnomAD exomes 0.00001 and 0.00003; 1000 Genomes Project 30x 0.00016; 1000 Genomes Project 0.00020.
gnomAD v4.1: 16 of 1,534,812 alleles (0.001%); highest among the groups gnomAD compares: South Asian, 0.018%; no homozygotes.

Submission:

Labcorp Genetics (formerly Invitae), Labcorp
Classification: Uncertain significance for Joubert syndrome 23; Short-rib thoracic dysplasia 14 with polydactyly. Last evaluated: 2022-08-15. Review status: criteria provided, single submitter. Criteria: Invitae Variant Classification Sherloc (09022015). Collection method: clinical testing. Allele origin: germline.
Comment: In summary, the available evidence is currently insufficient to determine the role of this variant in disease. Therefore, it has been classified as a Variant of Uncertain Significance. Algorithms developed to predict the effect of missense changes on protein structure and function are either unavailable or do not agree on the potential impact of this missense change (SIFT: "Deleterious"; PolyPhen-2: "Benign"; Align-GVGD: "Class C0"). ClinVar contains an entry for this variant (Variation ID: 1361911). This variant has not been reported in the literature in individuals affected with KIAA0586-related conditions. This variant is present in population databases (rs556030955, gnomAD 0.02%). This sequence change replaces lysine, which is basic and polar, with asparagine, which is neutral and polar, at codon 652 of the KIAA0586 protein (p.Lys652Asn).